The following is an entry in ClinVar:

NM_016335.6(PRODH):c.1328G>A (p.Arg443Gln)

Gene: PRODH (proline dehydrogenase 1; minus strand). Cytogenetic location: 22q11.21.
Variant type: single nucleotide variant.
Coding change: c.1328G>A on transcript NM_016335.6 (MANE Select); coding-DNA position 1328, G replaced by A.
Protein change: p.Arg443Gln; replaces arginine 443 with glutamine.
Molecular consequence: missense variant.
Genome position (GRCh38, 1-based): chr22:18,918,415, C>T on the plus strand (G>A on the coding strand, the complement: PRODH is on the minus strand). VCF-style: chr22-18918415-C-T. GRCh37 (hg19) VCF-style: chr22-18905928-C-T.
Other names: c.1004G>A, p.Arg335Gln (NM_001195226.2, NM_001368250.2); short protein forms R335Q, R443Q.
Identifiers: ClinVar variation 2072939 (VCV002072939.4), dbSNP rs140831950, ClinGen allele CA10094979.

ClinVar aggregate classification (germline): Uncertain significance. Review status: criteria provided, multiple submitters, no conflicts (2 of 4 stars). 3 submissions from 3 submitters: Uncertain significance (3). Last evaluated 2024-05-31.

Conditions:
Schizophrenia 4 (SCZD4). Also called: SCHIZOPHRENIA, SUSCEPTIBILITY TO, 4; SCHIZOPHRENIA SUSCEPTIBILITY LOCUS, CHROMOSOME 22q11-RELATED. Identifiers: MedGen C1833247, MONDO:0010943, OMIM 600850.
Proline dehydrogenase deficiency (HYRPRO1). Also called: Hyperprolinemia type 1; PROLINE OXIDASE DEFICIENCY. Identifiers: Orphanet 419, MedGen C0268529, MONDO:0009400, OMIM 239500.
Inborn genetic diseases. Identifiers: MedGen C0950123, MeSH D030342.

Allele frequency attached by ClinVar (database versions not stated): ExAC 0.00011; gnomAD 0.00016; 1000 Genomes Project 0.00020; gnomAD exomes 0.00021; ESP Exome Variant Server 0.00023; 1000 Genomes Project 30x 0.00047.
gnomAD v4.1: 42 of 205,676 alleles (0.02%); highest among the groups gnomAD compares: South Asian, 0.14%; 3 homozygotes.

Submissions (3):

Fulgent Genetics
Classification: Uncertain significance for Proline dehydrogenase deficiency; Schizophrenia 4. Last evaluated: 2024-05-31. Review status: criteria provided, single submitter. Criteria: ACMG Guidelines, 2015. Collection method: clinical testing. Allele origin: germline.

Labcorp Genetics (formerly Invitae), Labcorp
Classification: Uncertain significance for Proline dehydrogenase deficiency. Last evaluated: 2024-01-20. Review status: criteria provided, single submitter. Criteria: Invitae Variant Classification Sherloc (09022015). Collection method: clinical testing. Allele origin: germline.
Comment: This sequence change replaces arginine, which is basic and polar, with glutamine, which is neutral and polar, at codon 443 of the PRODH protein (p.Arg443Gln). This variant is present in population databases (rs140831950, gnomAD 0.03%). This variant has not been reported in the literature in individuals affected with PRODH-related conditions. ClinVar contains an entry for this variant (Variation ID: 2072939). Advanced modeling of protein sequence and biophysical properties (such as structural, functional, and spatial information, amino acid conservation, physicochemical variation, residue mobility, and thermodynamic stability) performed at Invitae indicates that this missense variant is expected to disrupt PRODH protein function with a positive predictive value of 80%. In summary, the available evidence is currently insufficient to determine the role of this variant in disease. Therefore, it has been classified as a Variant of Uncertain Significance.

Ambry Genetics
Classification: Uncertain significance for Inborn genetic diseases. Last evaluated: 2021-10-27. Review status: criteria provided, single submitter. Criteria: Ambry Variant Classification Scheme 2023. Collection method: clinical testing. Allele origin: germline.